The following is an entry in ClinVar:

ClinVar aggregate classification (germline): Uncertain significance (1 of 4 stars; one submission).

gnomAD v4.1: 3 of 1,613,940 alleles (0.00019%); highest among the groups gnomAD compares: Non-Finnish European, 0.00025%; no homozygotes.

Submission:

Labcorp Genetics (formerly Invitae), Labcorp
Classification: Uncertain significance. Last evaluated: 2025-03-26. Review status: criteria provided, single submitter. Criteria: Invitae Variant Classification Sherloc (09022015). Collection method: clinical testing. Allele origin: germline.
Comment: This sequence change replaces alanine, which is neutral and non-polar, with threonine, which is neutral and polar, at codon 448 of the MOCS3 protein (p.Ala448Thr). This variant is not present in population databases (gnomAD no frequency). This variant has not been reported in the literature in individuals affected with MOCS3-related conditions. An algorithm developed to predict the effect of missense changes on protein structure and function (PolyPhen-2) suggests that this variant is likely to be disruptive. In summary, the available evidence is currently insufficient to determine the role of this variant in disease. Therefore, it has been classified as a Variant of Uncertain Significance.

NM_014484.5(MOCS3):c.1342G>A (p.Ala448Thr)

Gene: MOCS3 (molybdenum cofactor synthesis 3; plus strand). Cytogenetic location: 20q13.13.
Variant type: single nucleotide variant.
Coding change: c.1342G>A on transcript NM_014484.5 (MANE Select); coding-DNA position 1342, G replaced by A.
Protein change: p.Ala448Thr; replaces alanine 448 with threonine.
Molecular consequence: missense variant.
Genome position (GRCh38, 1-based): chr20:50,960,184, G>A. VCF-style: chr20-50960184-G-A. GRCh37 (hg19) VCF-style: chr20-49576721-G-A.
Other names: short protein forms A448T.
Identifiers: ClinVar variation 3701675 (VCV003701675.2).